The following is an entry in ClinVar:

ClinVar aggregate classification (germline): Likely benign. Review status: criteria provided, multiple submitters, no conflicts (2 of 4 stars). 2 submissions from 2 submitters: Likely benign (2). Last evaluated 2026-04-01.

Allele frequency attached by ClinVar (database versions not stated): 1000 Genomes Project 0.00200; 1000 Genomes Project 30x 0.00219; ExAC 0.00377; gnomAD 0.00411; ESP Exome Variant Server 0.00436; TOPMed 0.00439.
gnomAD v4.1: 7,190 of 1,609,966 alleles (0.45%); highest among the groups gnomAD compares: Admixed American, 0.65%; 25 homozygotes.

Submissions (2):

CeGaT Center for Human Genetics Tuebingen
Classification: Likely benign. Last evaluated: 2026-04-01. Review status: criteria provided, single submitter. Criteria: CeGaT Center For Human Genetics Tuebingen Variant Classification Criteria Version 2. Collection method: clinical testing. Allele origin: germline. Affected: yes. Observed: 18 variant alleles.
Comment: DST: BP4, BS2

Blueprint Genetics
Classification: Likely benign. Last evaluated: 2023-03-06. Review status: criteria provided, single submitter. Criteria: ACMG Guidelines, 2015. Collection method: clinical testing. Allele origin: germline.

NM_001374736.1(DST):c.10954G>A (p.Gly3652Arg)

Gene: DST (dystonin; minus strand). Cytogenetic location: 6p12.1.
Variant type: single nucleotide variant.
Coding change: c.10954G>A on transcript NM_001374736.1 (MANE Select); coding-DNA position 10954, G replaced by A.
Protein change: p.Gly3652Arg; replaces glycine 3652 with arginine.
Molecular consequence: missense variant. On other transcripts: intron variant (6).
Genome position (GRCh38, 1-based): chr6:56,603,408, C>T on the plus strand (G>A on the coding strand, the complement: DST is on the minus strand). VCF-style: chr6-56603408-C-T. GRCh37 (hg19) VCF-style: chr6-56468206-C-T.
Other names: c.10954G>A, p.Gly3652Arg (NM_001374722.1); c.10321G>A, p.Gly3441Arg (NM_001374729.1); c.10981G>A, p.Gly3661Arg (NM_001374734.1); c.5185-3187G>A (NM_001144769.5); c.4771-3187G>A (NM_001144770.2); c.4651-3187G>A (NM_001374730.1, NM_001386100.1, NM_183380.4); c.3673-3187G>A (NM_015548.5); short protein forms G3441R, G3652R, G3661R.
Identifiers: ClinVar variation 2656663 (VCV002656663.25), dbSNP rs140462707, ClinGen allele CA3868772.